The following is an entry in ClinVar:

ClinVar aggregate classification (germline): Likely benign. Review status: criteria provided, multiple submitters, no conflicts (2 of 4 stars). 3 submissions from 3 submitters: Likely benign (2). 1 of the submissions does not count toward it. Last evaluated 2026-01-22.

Conditions:
MYO18B-related disorder. Also called: MYO18B-related condition.

Allele frequency attached by ClinVar (database versions not stated): ExAC 0.00004; gnomAD exomes 0.00007 and 0.00016; gnomAD 0.00017 and 0.00018; 1000 Genomes Project 0.00020; TOPMed 0.00028; 1000 Genomes Project 30x 0.00031.
gnomAD v4.1: 153 of 1,558,304 alleles (0.0098%); highest among the groups gnomAD compares: Middle Eastern, 0.23%; 1 homozygote.

Submissions (3):

Labcorp Genetics (formerly Invitae), Labcorp
Classification: Likely benign. Last evaluated: 2026-01-22. Review status: criteria provided, single submitter. Criteria: Invitae Variant Classification Sherloc (09022015). Collection method: clinical testing. Allele origin: germline.

Blueprint Genetics
Classification: Likely benign. Last evaluated: 2024-10-02. Review status: criteria provided, single submitter. Criteria: ACMG Guidelines, 2015. Collection method: clinical testing. Allele origin: germline.

PreventionGenetics, part of Exact Sciences
Classification: Likely benign for MYO18B-related condition. Last evaluated: 2019-05-24. Review status: no assertion criteria provided. Collection method: clinical testing. Allele origin: germline. Not counted in ClinVar's aggregate classification.
Comment: This variant is classified as likely benign based on ACMG/AMP sequence variant interpretation guidelines (Richards et al. 2015 PMID: 25741868, with internal and published modifications).

NM_032608.7(MYO18B):c.3553-9T>C

Gene: MYO18B (myosin XVIIIB; plus strand). Cytogenetic location: 22q12.1.
Variant type: single nucleotide variant.
Coding change: c.3553-9T>C on transcript NM_032608.7 (MANE Select); 9 bases into the intron before coding-DNA position 3553, T replaced by C.
Molecular consequence: intron variant.
Genome position (GRCh38, 1-based): chr22:25,847,421, T>C. VCF-style: chr22-25847421-T-C. GRCh37 (hg19) VCF-style: chr22-26243388-T-C.
Other names: c.3553-9T>C (NM_032608.6); c.3556-9T>C (NM_001318245.2).
Identifiers: ClinVar variation 1575677 (VCV001575677.11), dbSNP rs550168855, ClinGen allele CA10160604.